The following is an entry in ClinVar:

NM_000059.4(BRCA2):c.1679del (p.Asn560fs)

Gene: BRCA2 (BRCA2 DNA repair associated; plus strand). Cytogenetic location: 13q13.1.
Variant type: Deletion.
Coding change: c.1679del on transcript NM_000059.4 (MANE Select); coding-DNA position 1679, one base deleted (A; older notation c.1679delA).
Protein change: p.Asn560fs; shifts the reading frame from asparagine 560.
Molecular consequence: frameshift variant.
Genome position (GRCh38, 1-based): chr13:32,333,157, A deleted; the last of 2 consecutive A bases (chr13:32,333,156-32,333,157); deleting either gives the same sequence. VCF-style (leftmost placement, unchanged base first): chr13-32333155-TA-T. GRCh37 (hg19) VCF-style: chr13-32907292-TA-T.
Other names: c.1679delA, p.Asn560Metfs (NM_001406719.1, NM_001406720.1, NM_001406721.1); short protein forms N560fs.
Identifiers: ClinVar variation 2107517 (VCV002107517.4), dbSNP rs2548520796, ClinGen allele CA2580087103.

ClinVar aggregate classification (germline): Pathogenic (1 of 4 stars; one submission).

Conditions:
Hereditary breast ovarian cancer syndrome. Also called: Hereditary breast and ovarian cancer syndrome; BRCA1- and BRCA2-Associated Hereditary Breast and Ovarian Cancer; Hereditary breast and ovarian cancer; Hereditary breast and/or ovarian cancer syndrome; Hereditary breast and ovarian cancer syndrome (HBOC); Breast and ovarian cancer. Identifiers: Orphanet 145, MedGen C0677776, MeSH D061325, MONDO:0003582. Disease mechanism: loss of function.

Submission:

Labcorp Genetics (formerly Invitae), Labcorp
Classification: Pathogenic for Hereditary breast ovarian cancer syndrome. Last evaluated: 2025-11-03. Review status: criteria provided, single submitter. Criteria: Invitae Variant Classification Sherloc (09022015). Collection method: clinical testing. Allele origin: germline.
Comment: This sequence change creates a premature translational stop signal (p.Asn560Metfs*13) in the BRCA2 gene. It is expected to result in an absent or disrupted protein product. Loss-of-function variants in BRCA2 are known to be pathogenic (PMID: 20104584). This variant is not present in population databases (gnomAD no frequency). This variant has not been reported in the literature in individuals affected with BRCA2-related conditions. ClinVar contains an entry for this variant (Variation ID: 2107517). For these reasons, this variant has been classified as Pathogenic.

Literature cited by the submitters: PubMed 20104584.